The following is an entry in ClinVar:

ClinVar aggregate classification (germline): Uncertain significance (1 of 4 stars; one submission).

Conditions:
Tuberous sclerosis 2 (TSC2). Identifiers: Orphanet 805, MedGen C1860707, MONDO:0013199, OMIM 613254.

Submission:

Labcorp Genetics (formerly Invitae), Labcorp
Classification: Uncertain significance for Tuberous sclerosis 2. Last evaluated: 2022-08-27. Review status: criteria provided, single submitter. Criteria: Invitae Variant Classification Sherloc (09022015). Collection method: clinical testing. Allele origin: germline.
Comment: Advanced modeling of protein sequence and biophysical properties (such as structural, functional, and spatial information, amino acid conservation, physicochemical variation, residue mobility, and thermodynamic stability) performed at Invitae indicates that this missense variant is not expected to disrupt TSC2 protein function. This sequence change replaces methionine, which is neutral and non-polar, with lysine, which is basic and polar, at codon 535 of the TSC2 protein (p.Met535Lys). This variant is not present in population databases (gnomAD no frequency). This variant has not been reported in the literature in individuals affected with TSC2-related conditions. In summary, the available evidence is currently insufficient to determine the role of this variant in disease. Therefore, it has been classified as a Variant of Uncertain Significance.

NM_000548.5(TSC2):c.1604T>A (p.Met535Lys)

Gene: TSC2 (TSC complex subunit 2; plus strand). Cytogenetic location: 16p13.3.
Variant type: single nucleotide variant.
Coding change: c.1604T>A on transcript NM_000548.5 (MANE Select); coding-DNA position 1604, T replaced by A.
Protein change: p.Met535Lys; replaces methionine 535 with lysine.
Molecular consequence: missense variant.
Genome position (GRCh38, 1-based): chr16:2,065,523, T>A. VCF-style: chr16-2065523-T-A. GRCh37 (hg19) VCF-style: chr16-2115524-T-A.
Other names: c.1604T>A, p.Met535Lys (NM_001406665.1, NM_021055.3, NM_001077183.3 and 6 more transcripts); c.1694T>A, p.Met565Lys (NM_001406667.1, NM_001406668.1); c.1493T>A, p.Met498Lys (NM_001406670.1, NM_001318827.2, NM_001406678.1); c.1592T>A, p.Met531Lys (NM_001406671.1, NM_001406673.1); c.1004T>A, p.Met335Lys (NM_001406684.1, NM_001406685.1, NM_001406686.1 and 6 more transcripts); c.260T>A, p.Met87Lys (NM_001406689.1, NM_001406690.1, NM_001406691.1 and 6 more transcripts); c.2T>A, p.Met1Lys (NM_001406698.1); c.1457T>A, p.Met486Lys (NM_001318829.2, NM_001406675.1, NM_001406676.1 and 1 more transcripts); and 3 more; short protein forms M1K, M335K, M381K, M486K, M498K, M516K, M531K, M535K.
Identifiers: ClinVar variation 1718160 (VCV001718160.5), dbSNP rs2151206261, ClinGen allele CA394267545.
Genomic context (GRCh38, chr16:2,065,523, plus strand): 5'-CGGCTGCTGACTCAGAACCATGAGCCTGTGTGTAAGTCCTGGCCTTCTCTTCAAAGGTGA[T>A]GGCCCGCTCCCTCTCCCCACCCCCGGAGCTGGAAGAAAGGGATGTGGCCGCATACTCGGC-3'
Protein context (NP_000539.2, residues 525-545): NSLLDIIEKV[Met535Lys]ARSLSPPPEL